The following is an entry in ClinVar:

NM_004371.4(COPA):c.2276A>G (p.Tyr759Cys)

Gene: COPA (coat protein complex I subunit alpha; minus strand). Cytogenetic location: 1q23.2.
Variant type: single nucleotide variant.
Coding change: c.2276A>G on transcript NM_004371.4 (MANE Select); coding-DNA position 2276, A replaced by G.
Protein change: p.Tyr759Cys; replaces tyrosine 759 with cysteine.
Molecular consequence: missense variant.
Genome position (GRCh38, 1-based): chr1:160,296,137, T>C on the plus strand (A>G on the coding strand, the complement: COPA is on the minus strand). VCF-style: chr1-160296137-T-C. GRCh37 (hg19) VCF-style: chr1-160265927-T-C.
Other names: c.2303A>G, p.Tyr768Cys (NM_001098398.2); short protein forms Y759C, Y768C.
Identifiers: ClinVar variation 1008393 (VCV001008393.8), dbSNP rs766436110, ClinGen allele CA1197922.

ClinVar aggregate classification (germline): Uncertain significance (1 of 4 stars; one submission).

Conditions:
Autoimmune interstitial lung disease-arthritis syndrome. Also called: Autoinflammation and autoimmunity, systemic, with immune dysregulation. Identifiers: Orphanet 444092, MedGen C5975714, MONDO:0014629.

Allele frequency attached by ClinVar (database versions not stated): TOPMed below 0.00001; ExAC 0.00002.
gnomAD v4.1: 5 of 1,614,190 alleles (0.00031%); highest among the groups gnomAD compares: South Asian, 0.0022%; no homozygotes.

Submission:

Labcorp Genetics (formerly Invitae), Labcorp
Classification: Uncertain significance for Autoimmune interstitial lung disease-arthritis syndrome. Last evaluated: 2025-10-27. Review status: criteria provided, single submitter. Criteria: Invitae Variant Classification Sherloc (09022015). Collection method: clinical testing. Allele origin: germline.
Comment: This sequence change replaces tyrosine, which is neutral and polar, with cysteine, which is neutral and slightly polar, at codon 759 of the COPA protein (p.Tyr759Cys). This variant is present in population databases (rs766436110, gnomAD 0.003%). This variant has not been reported in the literature in individuals affected with COPA-related conditions. ClinVar contains an entry for this variant (Variation ID: 1008393). Invitae Evidence Modeling of protein sequence and biophysical properties (such as structural, functional, and spatial information, amino acid conservation, physicochemical variation, residue mobility, and thermodynamic stability) has been performed for this missense variant. However, the output from this modeling did not meet the statistical confidence thresholds required to predict the impact of this variant on COPA protein function. In summary, the available evidence is currently insufficient to determine the role of this variant in disease. Therefore, it has been classified as a Variant of Uncertain Significance.